The following is an entry in ClinVar:

NM_007294.4(BRCA1):c.4668A>C (p.Gln1556His)

Gene: BRCA1 (BRCA1 DNA repair associated; minus strand). Cytogenetic location: 17q21.31.
Variant type: single nucleotide variant.
Coding change: c.4668A>C on transcript NM_007294.4 (MANE Select); coding-DNA position 4668, A replaced by C.
Protein change: p.Gln1556His; replaces glutamine 1556 with histidine.
Molecular consequence: missense variant. On other transcripts: non-coding transcript variant (1).
Genome position (GRCh38, 1-based): chr17:43,074,338, T>G on the plus strand (A>C on the coding strand, the complement: BRCA1 is on the minus strand). VCF-style: chr17-43074338-T-G. GRCh37 (hg19) VCF-style: chr17-41226355-T-G.
Other names: c.4455A>C, p.Gln1485His (NM_001407571.1, NM_001407894.1, NM_001407895.1 and 12 more transcripts); c.4734A>C, p.Gln1578His (NM_001407581.1, NM_001407582.1); c.4668A>C, p.Gln1556His (NM_001407594.1, NM_001407596.1, NM_001407593.1 and 8 more transcripts); c.4731A>C, p.Gln1577His (NM_001407583.1, NM_001407585.1, NM_001407587.1 and 1 more transcripts); c.4728A>C, p.Gln1576His (NM_001407590.1, NM_001407591.1); c.4611A>C, p.Gln1537His (NM_001407648.1); c.4608A>C, p.Gln1536His (NM_001407649.1); c.4590A>C, p.Gln1530His (NM_001407653.1, NM_001407654.1, NM_001407655.1); and 68 more; short protein forms Q1509H, Q1556H, Q1577H, Q452H, Q1260H, Q1468H, Q1484H, Q1508H.
Identifiers: ClinVar variation 1683332 (VCV001683332.5), dbSNP rs1485442602, ClinGen allele CA10592175.

ClinVar aggregate classification (germline): Uncertain significance. Review status: criteria provided, multiple submitters, no conflicts (2 of 4 stars). 2 submissions from 2 submitters: Uncertain significance (2). Last evaluated 2023-05-24.

Conditions:
Hereditary breast ovarian cancer syndrome. Also called: Hereditary breast and ovarian cancer syndrome; BRCA1- and BRCA2-Associated Hereditary Breast and Ovarian Cancer; Hereditary breast and ovarian cancer syndrome (HBOC); Hereditary breast and/or ovarian cancer syndrome; Breast and ovarian cancer; Hereditary breast and ovarian cancer. Identifiers: Orphanet 145, MedGen C0677776, MeSH D061325, MONDO:0003582. Disease mechanism: loss of function.

Submissions (2):

Labcorp Genetics (formerly Invitae), Labcorp
Classification: Uncertain significance for Hereditary breast ovarian cancer syndrome. Last evaluated: 2023-05-24. Review status: criteria provided, single submitter. Criteria: Invitae Variant Classification Sherloc (09022015). Collection method: clinical testing. Allele origin: germline.
Comment: In summary, the available evidence is currently insufficient to determine the role of this variant in disease. Therefore, it has been classified as a Variant of Uncertain Significance. Advanced modeling of protein sequence and biophysical properties (such as structural, functional, and spatial information, amino acid conservation, physicochemical variation, residue mobility, and thermodynamic stability) performed at Invitae indicates that this missense variant is not expected to disrupt BRCA1 protein function. ClinVar contains an entry for this variant (Variation ID: 1683332). This variant has not been reported in the literature in individuals affected with BRCA1-related conditions. This variant is not present in population databases (gnomAD no frequency). This sequence change replaces glutamine, which is neutral and polar, with histidine, which is basic and polar, at codon 1556 of the BRCA1 protein (p.Gln1556His).

Women's Health and Genetics/Laboratory Corporation of America, LabCorp
Classification: Uncertain significance. Last evaluated: 2022-04-18. Review status: criteria provided, single submitter. Criteria: LabCorp Variant Classification Summary - May 2015. Collection method: clinical testing. Allele origin: germline.
Comment: Variant summary: BRCA1 c.4668A>C (p.Gln1556His) results in a non-conservative amino acid change in the encoded protein sequence. Three of five in-silico tools predict a benign effect of the variant on protein function. The variant was absent in 251150 control chromosomes. The available data on variant occurrences in the general population are insufficient to allow any conclusion about variant significance. To our knowledge, no occurrence of c.4668A>C in individuals affected with Hereditary Breast And Ovarian Cancer Syndrome and no experimental evidence demonstrating its impact on protein function have been reported. No clinical diagnostic laboratories have submitted clinical-significance assessments for this variant to ClinVar after 2014. Based on the evidence outlined above, the variant was classified as uncertain significance.